The following is an entry in ClinVar:

ClinVar aggregate classification (germline): Likely benign. Review status: criteria provided, multiple submitters, no conflicts (2 of 4 stars). 4 submissions from 4 submitters: Likely benign (3). 1 of the submissions does not count toward it. Last evaluated 2025-03-30.

Conditions:
Primary open angle glaucoma (POAG). Also called: OPTN-related open angle glaucoma. Identifiers: MedGen C0339573, MONDO:0100553, OMIM 137760.
Glaucoma 1, open angle, E. Identifiers: MedGen C1842026, MONDO:0007665.
Amyotrophic lateral sclerosis type 12 (ALS12). Also called: AMYOTROPHIC LATERAL SCLEROSIS 12 WITH OR WITHOUT FRONTOTEMPORAL DEMENTIA. Identifiers: Orphanet 803, MedGen C3150692, MONDO:0013264, OMIM 613435.
Inborn genetic diseases. Identifiers: MedGen C0950123, MeSH D030342.
OPTN-related disorder. Also called: OPTN-related condition; OPTN-related disorders.

Allele frequency attached by ClinVar (database versions not stated): gnomAD 0.00015 and 0.00023; TOPMed 0.00022; ESP Exome Variant Server 0.00031; gnomAD exomes 0.00033 and 0.00059; 1000 Genomes Project 30x 0.00047; 1000 Genomes Project 0.00060; ExAC 0.00065.
gnomAD v4.1: 533 of 1,613,818 alleles (0.033%); highest among the groups gnomAD compares: Middle Eastern, 0.38%; 2 homozygotes.

Submissions (4):

Labcorp Genetics (formerly Invitae), Labcorp
Classification: Likely benign for Primary open angle glaucoma; Glaucoma 1, open angle, E; Amyotrophic lateral sclerosis type 12. Last evaluated: 2025-03-30. Review status: criteria provided, single submitter. Criteria: Invitae Variant Classification Sherloc (09022015). Collection method: clinical testing. Allele origin: germline.

Ambry Genetics
Classification: Likely benign for Inborn genetic diseases. Last evaluated: 2020-01-08. Review status: criteria provided, single submitter. Criteria: Ambry Variant Classification Scheme 2023. Collection method: clinical testing. Allele origin: germline.

Breakthrough Genomics
Classification: Likely benign. Review status: criteria provided, single submitter. Criteria: ACMG Guidelines, 2015. Collection method: not provided. Allele origin: germline. Inheritance: Autosomal recessive inheritance. Affected: yes.

PreventionGenetics, part of Exact Sciences
Classification: Likely benign for OPTN-related condition. Last evaluated: 2022-11-29. Review status: no assertion criteria provided. Collection method: clinical testing. Allele origin: germline. Not counted in ClinVar's aggregate classification.
Comment: This variant is classified as likely benign based on ACMG/AMP sequence variant interpretation guidelines (Richards et al. 2015 PMID: 25741868, with internal and published modifications).

NM_001008212.2(OPTN):c.909C>A (p.Asn303Lys)

Gene: OPTN (optineurin; plus strand). Cytogenetic location: 10p13.
Variant type: single nucleotide variant.
Coding change: c.909C>A on transcript NM_001008212.2 (MANE Select); coding-DNA position 909, C replaced by A.
Protein change: p.Asn303Lys; replaces asparagine 303 with lysine.
Molecular consequence: missense variant.
Genome position (GRCh38, 1-based): chr10:13,124,021, C>A. VCF-style: chr10-13124021-C-A. GRCh37 (hg19) VCF-style: chr10-13166021-C-A.
Other names: c.909C>A, p.Asn303Lys (NM_001008211.1, NM_001008213.1, NM_021980.4); short protein forms N303K.
Identifiers: ClinVar variation 705676 (VCV000705676.16), dbSNP rs200114679, ClinGen allele CA5410809.